The following is an entry in ClinVar:

NM_001079802.2(FKTN):c.170C>T (p.Ala57Val)

Gene: FKTN (fukutin; plus strand). Cytogenetic location: 9q31.2.
Variant type: single nucleotide variant.
Coding change: c.170C>T on transcript NM_001079802.2 (MANE Select); coding-DNA position 170, C replaced by T.
Protein change: p.Ala57Val; replaces alanine 57 with valine.
Molecular consequence: missense variant. On other transcripts: 5 prime UTR variant (4), non-coding transcript variant (2).
Genome position (GRCh38, 1-based): chr9:105,601,149, C>T. VCF-style: chr9-105601149-C-T. GRCh37 (hg19) VCF-style: chr9-108363430-C-T.
Other names: c.170C>T, p.Ala57Val (NM_001198963.2, NM_001351496.2, NM_001351498.2 and 1 more transcripts); c.101C>T, p.Ala34Val (NM_001351497.2); c.-345C>T (NM_001351499.2, NM_001351500.2, NM_001351501.2 and 1 more transcripts); short protein forms A57V, A34V.
Identifiers: ClinVar variation 528817 (VCV000528817.8), dbSNP rs1554751104, ClinGen allele CA374331396.

ClinVar aggregate classification (germline): Uncertain significance (1 of 4 stars; one submission).

Conditions:
Walker-Warburg congenital muscular dystrophy. Also called: Muscular dystrophy-dystroglycanopathy, type A; Walker-Warburg syndrome. Identifiers: Orphanet 899, MedGen C0265221, MONDO:0000171.

Submission:

Labcorp Genetics (formerly Invitae), Labcorp
Classification: Uncertain significance for Walker-Warburg congenital muscular dystrophy. Last evaluated: 2017-09-12. Review status: criteria provided, single submitter. Criteria: Invitae Variant Classification Sherloc (09022015). Collection method: clinical testing. Allele origin: germline.
Comment: In summary, the available evidence is currently insufficient to determine the role of this variant in disease. Therefore, it has been classified as a Variant of Uncertain Significance. Algorithms developed to predict the effect of missense changes on protein structure and function (SIFT, PolyPhen-2, Align-GVGD) all suggest that this variant is likely to be tolerated, but these predictions have not been confirmed by published functional studies and their clinical significance is uncertain. This variant has not been reported in the literature in individuals with FKTN-related disease. This variant is not present in population databases (ExAC no frequency). This sequence change replaces alanine with valine at codon 57 of the FKTN protein (p.Ala57Val). The alanine residue is moderately conserved and there is a small physicochemical difference between alanine and valine.